The following is an entry in ClinVar:

NM_032315.3(SLC25A33):c.477A>G (p.Glu159=)

Gene: SLC25A33 (solute carrier family 25 member 33; plus strand). Cytogenetic location: 1p36.22.
Variant type: single nucleotide variant.
Coding change: c.477A>G on transcript NM_032315.3 (MANE Select); coding-DNA position 477, A replaced by G.
Protein change: p.Glu159=; no amino-acid change (glutamic acid 159 retained).
Molecular consequence: synonymous variant.
Genome position (GRCh38, 1-based): chr1:9,573,407, A>G. VCF-style: chr1-9573407-A-G. GRCh37 (hg19) VCF-style: chr1-9633465-A-G.
Identifiers: ClinVar variation 3041935 (VCV003041935.2), dbSNP rs566736527, ClinGen allele CA575944.

ClinVar aggregate classification (germline): Benign (0 of 4 stars; one submission).

Conditions:
SLC25A33-related disorder. Also called: SLC25A33-related condition.

Allele frequency attached by ClinVar (database versions not stated): TOPMed 0.00005; gnomAD 0.00051; gnomAD exomes 0.00082; ExAC 0.00193; 1000 Genomes Project 0.00260; 1000 Genomes Project 30x 0.00281.
gnomAD v4.1: 1,266 of 1,610,520 alleles (0.079%); highest among the groups gnomAD compares: South Asian, 1.3%; 23 homozygotes.

Submission:

PreventionGenetics, part of Exact Sciences
Classification: Benign for SLC25A33-related condition. Last evaluated: 2019-05-14. Review status: no assertion criteria provided. Collection method: clinical testing. Allele origin: germline.
Comment: This variant is classified as benign based on ACMG/AMP sequence variant interpretation guidelines (Richards et al. 2015 PMID: 25741868, with internal and published modifications).